The following is an entry in ClinVar:

NM_004370.6(COL12A1):c.4115C>T (p.Thr1372Ile)

Gene: COL12A1 (collagen type XII alpha 1 chain; minus strand). Cytogenetic location: 6q13.
Variant type: single nucleotide variant.
Coding change: c.4115C>T on transcript NM_004370.6 (MANE Select); coding-DNA position 4115, C replaced by T.
Protein change: p.Thr1372Ile; replaces threonine 1372 with isoleucine.
Molecular consequence: missense variant.
Genome position (GRCh38, 1-based): chr6:75,151,173, G>A on the plus strand (C>T on the coding strand, the complement: COL12A1 is on the minus strand). VCF-style: chr6-75151173-G-A. GRCh37 (hg19) VCF-style: chr6-75860889-G-A.
Other names: c.623C>T, p.Thr208Ile (NM_080645.3); short protein forms T208I, T1372I.
Identifiers: ClinVar variation 1462636 (VCV001462636.6), dbSNP rs2149415231, ClinGen allele CA364746973.

ClinVar aggregate classification (germline): Uncertain significance (1 of 4 stars; one submission).

Conditions:
Ullrich congenital muscular dystrophy 2 (UCMD2). Identifiers: Orphanet 75840, MedGen C4225314, MONDO:0014654, OMIM 616470.
Bethlem myopathy 2 (BTHLM2). Identifiers: Orphanet 536516, Orphanet 610, MedGen C4225313, MONDO:0034022, OMIM 616471.

Submission:

Labcorp Genetics (formerly Invitae), Labcorp
Classification: Uncertain significance for Bethlem myopathy 2; Ullrich congenital muscular dystrophy 2. Last evaluated: 2021-08-16. Review status: criteria provided, single submitter. Criteria: Invitae Variant Classification Sherloc (09022015). Collection method: clinical testing. Allele origin: germline.
Comment: In summary, the available evidence is currently insufficient to determine the role of this variant in disease. Therefore, it has been classified as a Variant of Uncertain Significance. Algorithms developed to predict the effect of missense changes on protein structure and function output the following: SIFT: "Deleterious"; PolyPhen-2: "Benign"; Align-GVGD: "Class C0". The isoleucine amino acid residue is found in multiple mammalian species, which suggests that this missense change does not adversely affect protein function. This variant has not been reported in the literature in individuals affected with COL12A1-related conditions. This variant is not present in population databases (ExAC no frequency). This sequence change replaces threonine with isoleucine at codon 1372 of the COL12A1 protein (p.Thr1372Ile). The threonine residue is highly conserved and there is a moderate physicochemical difference between threonine and isoleucine.